The following is an entry in ClinVar:

ClinVar aggregate classification (germline): Uncertain significance (1 of 4 stars; one submission).

Submission:

CeGaT Center for Human Genetics Tuebingen
Classification: Uncertain significance. Last evaluated: 2026-04-01. Review status: criteria provided, single submitter. Criteria: CeGaT Center For Human Genetics Tuebingen Variant Classification Criteria Version 2. Collection method: clinical testing. Allele origin: germline. Affected: yes. Observed: 1 variant allele.
Comment: COL18A1: PM2, BP4

NM_001379500.1(COL18A1):c.107-11687C>T

Gene: COL18A1 (collagen type XVIII alpha 1 chain; plus strand). Cytogenetic location: 21q22.3.
Variant type: single nucleotide variant.
Coding change: c.107-11687C>T on transcript NM_001379500.1 (MANE Select); 11687 bases into the intron before coding-DNA position 107, C replaced by T.
Molecular consequence: intron variant. On other transcripts: missense variant (1).
Genome position (GRCh38, 1-based): chr21:45,456,555, C>T. VCF-style: chr21-45456555-C-T. GRCh37 (hg19) VCF-style: chr21-46876469-C-T.
Other names: c.1025C>T, p.Pro342Leu (NM_130444.3); c.646+379C>T (NM_030582.4); short protein forms P342L.
Identifiers: ClinVar variation 4874541 (VCV004874541.2).
Genomic context (GRCh38, chr21:45,456,555, plus strand): 5'-TGCTCGGGGCTGACCCCGAGGCCCCCGCCGGTCGCTGCCTGCCCCTGCCACCCTCCCTGC[C>T]AGTCTGCGGCCACCTGGGCATCTCACGCTTCTGGCTGCCCAACCACCTCCACCACGAGAG-3'